The following is an entry in ClinVar:

NM_006514.4(SCN10A):c.3735_3804+243del

Gene: SCN10A (sodium voltage-gated channel alpha subunit 10; minus strand). Cytogenetic location: 3p22.2.
Variant type: Deletion.
Coding change: c.3735_3804+243del on transcript NM_006514.4 (MANE Select); coding-DNA position 3735 through 243 bases into the intron after coding-DNA position 3804, 313 bases deleted.
Molecular consequence: splice donor variant.
Genome position (GRCh38, 1-based): chr3:38,713,715-38,714,027, 313 bases deleted. GRCh37 (hg19): chr3:38,755,210-38,755,522.
Other names: c.3441_3510+243del (NM_001293307.2); c.3732_3801+243del (NM_001293306.2).
Identifiers: ClinVar variation 1387346 (VCV001387346.6), dbSNP rs2125990836, ClinGen allele CA2573136301.

ClinVar aggregate classification (germline): Uncertain significance (1 of 4 stars; one submission).

Conditions:
Brugada syndrome. Also called: Sudden unexplained nocturnal death syndrome; Sudden unexpected nocturnal death syndrome; Sudden Unexplained Death Syndrome; Sudden Unexplained Nocturnal Death Syndrome (SUNDS). Identifiers: Orphanet 130, MedGen C1142166, MONDO:0015263.

Submission:

Labcorp Genetics (formerly Invitae), Labcorp
Classification: Uncertain significance for Brugada syndrome. Last evaluated: 2021-10-15. Review status: criteria provided, single submitter. Criteria: Invitae Variant Classification Sherloc (09022015). Collection method: clinical testing. Allele origin: germline.
Comment: This variant results in the deletion of part of exon 21 (c.3735_3804+243del) of the SCN10A gene. It is expected to disrupt RNA splicing. Variants that disrupt the donor or acceptor splice site typically lead to a loss of protein function (PMID: 16199547), however the current clinical and genetic evidence is not sufficient to establish whether loss-of-function variants in SCN10A cause disease. This variant is not present in population databases (ExAC no frequency). This variant has not been reported in the literature in individuals affected with SCN10A-related conditions. In summary, the available evidence is currently insufficient to determine the role of this variant in disease. Therefore, it has been classified as a Variant of Uncertain Significance.

Literature cited by the submitters: PubMed 16199547.